The following is an entry in ClinVar:

NM_003124.5(SPR):c.365A>G (p.Asn122Ser)

Gene: SPR (sepiapterin reductase; plus strand). Cytogenetic location: 2p13.2.
Variant type: single nucleotide variant.
Coding change: c.365A>G on transcript NM_003124.5 (MANE Select); coding-DNA position 365, A replaced by G.
Protein change: p.Asn122Ser; replaces asparagine 122 with serine.
Molecular consequence: missense variant.
Genome position (GRCh38, 1-based): chr2:72,888,374, A>G. VCF-style: chr2-72888374-A-G. GRCh37 (hg19) VCF-style: chr2-73115503-A-G.
Other names: short protein forms N122S.
Identifiers: ClinVar variation 4088185 (VCV004088185.2).

ClinVar aggregate classification (germline): Uncertain significance. Review status: criteria provided, multiple submitters, no conflicts (2 of 4 stars). 2 submissions from 2 submitters: Uncertain significance (2). Last evaluated 2025-09-30.

Conditions:
Dystonic disorder. Also called: Dystonia. Identifiers: MedGen C0013421, MONDO:0003441, HP:0001332.

Submissions (2):

Labcorp Genetics (formerly Invitae), Labcorp
Classification: Uncertain significance for Dystonic disorder. Last evaluated: 2025-09-30. Review status: criteria provided, single submitter. Criteria: Invitae Variant Classification Sherloc (09022015). Collection method: clinical testing. Allele origin: germline.
Comment: This sequence change replaces asparagine, which is neutral and polar, with serine, which is neutral and polar, at codon 122 of the SPR protein (p.Asn122Ser). This variant is present in population databases (rs376382908, gnomAD 0.002%). This variant has not been reported in the literature in individuals affected with SPR-related conditions. Invitae Evidence Modeling of protein sequence and biophysical properties (such as structural, functional, and spatial information, amino acid conservation, physicochemical variation, residue mobility, and thermodynamic stability) indicates that this missense variant is not expected to disrupt SPR protein function with a negative predictive value of 80%. In summary, the available evidence is currently insufficient to determine the role of this variant in disease. Therefore, it has been classified as a Variant of Uncertain Significance.

GeneDx
Classification: Uncertain significance. Last evaluated: 2025-03-28. Review status: criteria provided, single submitter. Criteria: GeneDx Variant Classification Process June 2021. Collection method: clinical testing. Allele origin: germline. Affected: yes.
Comment: Not observed at significant frequency in large population cohorts (gnomAD); In silico analysis indicates that this missense variant does not alter protein structure/function; Has not been previously published as pathogenic or benign to our knowledge